The following is an entry in ClinVar:

NM_001457.4(FLNB):c.4388G>A (p.Arg1463Gln)

Gene: FLNB (filamin B; plus strand). Cytogenetic location: 3p14.3.
Variant type: single nucleotide variant.
Coding change: c.4388G>A on transcript NM_001457.4 (MANE Select); coding-DNA position 4388, G replaced by A.
Protein change: p.Arg1463Gln; replaces arginine 1463 with glutamine.
Molecular consequence: missense variant.
Genome position (GRCh38, 1-based): chr3:58,130,906, G>A. VCF-style: chr3-58130906-G-A. GRCh37 (hg19) VCF-style: chr3-58116633-G-A.
Other names: c.4388G>A, p.Arg1463Gln (NM_001164317.2, NM_001164318.2, NM_001164319.2); short protein forms R1463Q.
Identifiers: ClinVar variation 1953810 (VCV001953810.5), dbSNP rs200849899, ClinGen allele CA2468737.

ClinVar aggregate classification (germline): Uncertain significance (1 of 4 stars; one submission).

Allele frequency attached by ClinVar (database versions not stated): TOPMed below 0.00001; gnomAD 0.00001; gnomAD exomes 0.00001; ExAC 0.00002.
gnomAD v4.1: 18 of 1,610,078 alleles (0.0011%); highest among the groups gnomAD compares: Non-Finnish European, 0.0014%; no homozygotes.

Submission:

Labcorp Genetics (formerly Invitae), Labcorp
Classification: Uncertain significance. Last evaluated: 2022-07-12. Review status: criteria provided, single submitter. Criteria: Invitae Variant Classification Sherloc (09022015). Collection method: clinical testing. Allele origin: germline.
Comment: This sequence change replaces arginine, which is basic and polar, with glutamine, which is neutral and polar, at codon 1463 of the FLNB protein (p.Arg1463Gln). This variant is present in population databases (rs200849899, gnomAD 0.006%). This variant has not been reported in the literature in individuals affected with FLNB-related conditions. Algorithms developed to predict the effect of missense changes on protein structure and function are either unavailable or do not agree on the potential impact of this missense change (SIFT: "Deleterious"; PolyPhen-2: "Possibly Damaging"; Align-GVGD: "Class C0"). In summary, the available evidence is currently insufficient to determine the role of this variant in disease. Therefore, it has been classified as a Variant of Uncertain Significance.